The following is an entry in ClinVar:

NM_206926.2(SELENON):c.591C>T (p.Phe197=)

Gene: SELENON (selenoprotein N; plus strand). Cytogenetic location: 1p36.11.
Variant type: single nucleotide variant.
Coding change: c.591C>T on transcript NM_206926.2 (MANE Select); coding-DNA position 591, C replaced by T.
Protein change: p.Phe197=; no amino-acid change (phenylalanine 197 retained).
Molecular consequence: synonymous variant.
Genome position (GRCh38, 1-based): chr1:25,808,735, C>T. VCF-style: chr1-25808735-C-T. GRCh37 (hg19) VCF-style: chr1-26135226-C-T.
Other names: c.693C>T, p.Phe231= (NM_020451.3).
Identifiers: ClinVar variation 385285 (VCV000385285.12), dbSNP rs903926749, ClinGen allele CA16603684.

ClinVar aggregate classification (germline): Likely benign. Review status: criteria provided, multiple submitters, no conflicts (2 of 4 stars). 2 submissions from 2 submitters: Likely benign (2). Last evaluated 2022-07-12.

Conditions:
Eichsfeld type congenital muscular dystrophy (CMYO3). Also called: Rigid spine muscular dystrophy 1; MYOPATHY, SEPN1-RELATED; SELENON-related myopathy; Congenital myopathy 3 with rigid spine. Identifiers: MedGen C0410180, MONDO:0100100, OMIM 602771.

Allele frequency attached by ClinVar (database versions not stated): gnomAD 0.00001; TOPMed 0.00001.
gnomAD v4.1: 3 of 1,613,960 alleles (0.00019%); highest among the groups gnomAD compares: Non-Finnish European, 0.00025%; no homozygotes.

Submissions (2):

Labcorp Genetics (formerly Invitae), Labcorp
Classification: Likely benign for Eichsfeld type congenital muscular dystrophy. Last evaluated: 2022-07-12. Review status: criteria provided, single submitter. Criteria: Invitae Variant Classification Sherloc (09022015). Collection method: clinical testing. Allele origin: germline.

GeneDx
Classification: Likely benign. Last evaluated: 2016-04-28. Review status: criteria provided, single submitter. Criteria: GeneDx Variant Classification (06012015). Collection method: clinical testing. Allele origin: germline. Affected: yes.
Comment: This variant is considered likely benign or benign based on one or more of the following criteria: it is a conservative change, it occurs at a poorly conserved position in the protein, it is predicted to be benign by multiple in silico algorithms, and/or has population frequency not consistent with disease.